The following is an entry in ClinVar:

NM_000465.4(BARD1):c.1902A>T (p.Glu634Asp)

Gene: BARD1 (BRCA1 associated RING domain 1; minus strand). Cytogenetic location: 2q35.
Variant type: single nucleotide variant.
Coding change: c.1902A>T on transcript NM_000465.4 (MANE Select); coding-DNA position 1902, A replaced by T.
Protein change: p.Glu634Asp; replaces glutamic acid 634 with aspartic acid.
Molecular consequence: missense variant. On other transcripts: non-coding transcript variant (3), intron variant (1).
Genome position (GRCh38, 1-based): chr2:214,745,068, T>A on the plus strand (A>T on the coding strand, the complement: BARD1 is on the minus strand). VCF-style: chr2-214745068-T-A. GRCh37 (hg19) VCF-style: chr2-215609792-T-A.
Other names: c.1845A>T, p.Glu615Asp (NM_001282543.2); c.549A>T, p.Glu183Asp (NM_001282545.2); c.492A>T, p.Glu164Asp (NM_001282548.2); c.365-14560A>T (NM_001282549.2); short protein forms E164D, E183D, E615D, E634D.
Identifiers: ClinVar variation 2131855 (VCV002131855.4), dbSNP rs1559385976, ClinGen allele CA350452046.
Genomic context (GRCh38, chr2:214,745,068, plus strand): 5'-ACCATGAAAAACAAAACTAGTCTAATTCATTTCTTAATTCTCTCAAATCCAACACTTACA[T>A]TCAAATTTTAGAATCCAGCATCCATTGAGAATCCCAAGCATACACTTCAAGGTACTTTGA-3'
Protein context (NP_000456.2, residues 624-644): ILNGCWILKF[Glu634Asp]WVKACLRRKV

ClinVar aggregate classification (germline): Uncertain significance (1 of 4 stars; one submission).

Conditions:
Familial cancer of breast. Also called: Hereditary breast cancer; BREAST CANCER, FAMILIAL; hereditary breast carcinoma. Identifiers: Orphanet 227535, MedGen C0346153, MONDO:0016419, OMIM 114480. Disease mechanism: loss of function.

Submission:

Labcorp Genetics (formerly Invitae), Labcorp
Classification: Uncertain significance for Familial cancer of breast. Last evaluated: 2024-12-24. Review status: criteria provided, single submitter. Criteria: Invitae Variant Classification Sherloc (09022015). Collection method: clinical testing. Allele origin: germline.
Comment: This sequence change replaces glutamic acid, which is acidic and polar, with aspartic acid, which is acidic and polar, at codon 634 of the BARD1 protein (p.Glu634Asp). This variant is not present in population databases (gnomAD no frequency). This variant has not been reported in the literature in individuals affected with BARD1-related conditions. ClinVar contains an entry for this variant (Variation ID: 2131855). An algorithm developed to predict the effect of missense changes on protein structure and function outputs the following: PolyPhen-2: "Benign". The aspartic acid amino acid residue is found in multiple mammalian species, which suggests that this missense change does not adversely affect protein function. In summary, the available evidence is currently insufficient to determine the role of this variant in disease. Therefore, it has been classified as a Variant of Uncertain Significance.